The following is an entry in ClinVar:

NM_182961.4(SYNE1):c.16984C>A (p.Arg5662Ser)

Genes: SYNE1 (spectrin repeat containing nuclear envelope protein 1; minus strand), LOC126859837 (BRD4-independent group 4 enhancer GRCh37_chr6:152630775-152631974; plus strand). Cytogenetic location: 6q25.2.
Variant type: single nucleotide variant.
Coding change: c.16984C>A on transcript NM_182961.4 (MANE Select); coding-DNA position 16984, C replaced by A.
Protein change: p.Arg5662Ser; replaces arginine 5662 with serine.
Molecular consequence: missense variant.
Genome position (GRCh38, 1-based): chr6:152,310,431, G>T on the plus strand (C>A on the coding strand, the complement: SYNE1 is on the minus strand). VCF-style: chr6-152310431-G-T. GRCh37 (hg19) VCF-style: chr6-152631566-G-T.
Other names: p.Arg5591Ser; c.16771C>A, p.Arg5591Ser (NM_033071.5); short protein forms R5662S, R5591S.
Identifiers: ClinVar variation 283936 (VCV000283936.28), dbSNP rs145899734, ClinGen allele CA4055382.
Genomic context (GRCh38, chr6:152,310,431, plus strand): 5'-TTTACTCCAAGTTAGTTTGGCTTACCTGCCGATGAGAGAGCTGCTCCTTGAGACTGAGAC[G>T]TCCAACTTCTGGAGAAGTCAGTGTTGCCTGGGCTTGCTCCAAGGCAGCTTGTAACTTTTT-3'
Protein context (NP_892006.3, residues 5652-5672): QATLTSPEVG[Arg5662Ser]LSLKEQLSHR

ClinVar aggregate classification (germline): Likely benign. Review status: criteria provided, multiple submitters, no conflicts (2 of 4 stars). 9 submissions from 9 submitters: Likely benign (9). Last evaluated 2026-03-01.

Conditions:
Arthrogryposis multiplex congenita 3, myogenic type. Also called: ARTHROGRYPOSIS MULTIPLEX CONGENITA, MYOGENIC TYPE. Identifiers: MedGen C5193121, MONDO:0032778, OMIM 618484.
SYNE1-related disorder. Also called: SYNE1-related disorders; SYNE1-related disease; SYNE1-related condition.
Autosomal recessive ataxia, Beauce type. Also called: ATAXIA, RECESSIVE, OF BEAUCE; Spinocerebellar ataxia, autosomal recessive 8; SYNE1-Related Autosomal Recessive Cerebellar Ataxia; SYNE1 Deficiency. Identifiers: Orphanet 88644, MedGen C1853116, MONDO:0012549, OMIM 610743.
Emery-Dreifuss muscular dystrophy 4, autosomal dominant (EDMD4). Also called: EMERY-DREIFUSS MUSCULAR DYSTROPHY 4 WITH VARIABLE FEATURES. Identifiers: Orphanet 261, MedGen C2751807, MONDO:0013071, OMIM 612998.

Allele frequency attached by ClinVar (database versions not stated): TOPMed 0.00018; ESP Exome Variant Server 0.00046; 1000 Genomes Project 30x 0.00078; 1000 Genomes Project 0.00100.
gnomAD v4.1: 663 of 1,614,132 alleles (0.041%); highest among the groups gnomAD compares: South Asian, 0.35%; 3 homozygotes.

Submissions (9):

CeGaT Center for Human Genetics Tuebingen
Classification: Likely benign. Last evaluated: 2026-03-01. Review status: criteria provided, single submitter. Criteria: CeGaT Center For Human Genetics Tuebingen Variant Classification Criteria Version 2. Collection method: clinical testing. Allele origin: germline. Affected: yes. Observed: 2 variant alleles.
Comment: SYNE1: BP4

PreventionGenetics, part of Exact Sciences
Classification: Likely benign for SYNE1-related condition. Last evaluated: 2026-02-09. Review status: criteria provided, single submitter. Criteria: ACMG Guidelines, 2015. Collection method: clinical testing. Allele origin: germline.
Comment: This variant is classified as likely benign based on ACMG/AMP sequence variant interpretation guidelines (Richards et al. 2015 PMID: 25741868, with internal and published modifications).

Labcorp Genetics (formerly Invitae), Labcorp
Classification: Likely benign for Emery-Dreifuss muscular dystrophy 4, autosomal dominant; Autosomal recessive ataxia, Beauce type. Last evaluated: 2026-01-02. Review status: criteria provided, single submitter. Criteria: Invitae Variant Classification Sherloc (09022015). Collection method: clinical testing. Allele origin: germline.

Mayo Clinic Laboratories, Mayo Clinic
Classification: Likely benign. Last evaluated: 2025-05-07. Review status: criteria provided, single submitter. Criteria: ACMG Guidelines, 2015. Collection method: clinical testing. Allele origin: germline. Observed: 3 variant alleles.
Comment: BS1, BP4

Athena Diagnostics
Classification: Likely benign. Last evaluated: 2025-01-06. Review status: criteria provided, single submitter. Criteria: Athena Diagnostics Criteria. Collection method: clinical testing. Allele origin: unknown.
Comment: The frequency of this variant in the general population is higher than would generally be expected for pathogenic variants in this gene.

Blueprint Genetics
Classification: Likely benign. Last evaluated: 2024-10-09. Review status: criteria provided, single submitter. Criteria: ACMG Guidelines, 2015. Collection method: clinical testing. Allele origin: germline.

Institute of Human Genetics, University of Leipzig Medical Center
Classification: Likely benign for Arthrogryposis multiplex congenita 3, myogenic type. Last evaluated: 2019-01-01. Review status: criteria provided, single submitter. Criteria: ACMG Guidelines, 2015. Collection method: clinical testing. Allele origin: unknown. Affected: yes.

GeneDx
Classification: Likely benign. Last evaluated: 2018-10-05. Review status: criteria provided, single submitter. Criteria: GeneDx Variant Classification Process June 2021. Collection method: clinical testing. Allele origin: germline. Affected: yes.

Eurofins Ntd Llc (ga)
Classification: Likely benign. Last evaluated: 2015-10-13. Review status: criteria provided, single submitter. Criteria: EGL Classification Definitions 2015. Collection method: clinical testing. Allele origin: germline. Observed: 1 variant allele, 1 heterozygote.

Literature cited by the submitters: PubMed 24838835 (cited by Athena Diagnostics); PubMed 29970176 (cited by Athena Diagnostics); PubMed 29590070 (cited by Athena Diagnostics); PubMed 28440294 (cited by Athena Diagnostics); PubMed 29420653 (cited by Athena Diagnostics).